The following is an entry in ClinVar:

NM_001035.3(RYR2):c.11326-4A>G

Gene: RYR2 (ryanodine receptor 2; plus strand). Cytogenetic location: 1q43.
Variant type: single nucleotide variant.
Coding change: c.11326-4A>G on transcript NM_001035.3 (MANE Select); 4 bases into the intron before coding-DNA position 11326, A replaced by G.
Molecular consequence: intron variant.
Genome position (GRCh38, 1-based): chr1:237,759,772, A>G. VCF-style: chr1-237759772-A-G. GRCh37 (hg19) VCF-style: chr1-237923072-A-G.
Identifiers: ClinVar variation 179454 (VCV000179454.17), dbSNP rs727504876, ClinGen allele CA006959.

ClinVar aggregate classification (germline): Benign/Likely benign. Review status: criteria provided, multiple submitters, no conflicts (2 of 4 stars). 3 submissions from 3 submitters: Benign (1); Likely benign (2). Last evaluated 2025-10-23.

Conditions:
Cardiovascular phenotype. Identifiers: MedGen CN230736.
Catecholaminergic polymorphic ventricular tachycardia 1. Also called: RYR2-Related Catecholaminergic Polymorphic Ventricular Tachycardia; VENTRICULAR TACHYCARDIA, STRESS-INDUCED POLYMORPHIC 1; VENTRICULAR TACHYCARDIA, CATECHOLAMINERGIC POLYMORPHIC, 1, WITH OR WITHOUT ATRIAL DYSFUNCTION AND/OR DILATED CARDIOMYOPATHY. Identifiers: Orphanet 3286, MedGen C1631597, MONDO:0011484, OMIM 604772.

Allele frequency attached by ClinVar (database versions not stated): ExAC 0.00007; gnomAD 0.00001 and 0.00003; TOPMed 0.00001; gnomAD exomes 0.00005 and 0.00006.
gnomAD v4.1: 68 of 1,603,644 alleles (0.0042%); highest among the groups gnomAD compares: South Asian, 0.051%; no homozygotes.

Submissions (3):

Labcorp Genetics (formerly Invitae), Labcorp
Classification: Likely benign for Catecholaminergic polymorphic ventricular tachycardia 1. Last evaluated: 2025-10-23. Review status: criteria provided, single submitter. Criteria: Invitae Variant Classification Sherloc (09022015). Collection method: clinical testing. Allele origin: germline.

Ambry Genetics
Classification: Benign for Cardiovascular phenotype. Last evaluated: 2023-05-18. Review status: criteria provided, single submitter. Criteria: Ambry Variant Classification Scheme 2023. Collection method: clinical testing. Allele origin: germline.

Laboratory for Molecular Medicine, Mass General Brigham Personalized Medicine
Classification: Likely benign. Last evaluated: 2013-12-26. Review status: criteria provided, single submitter. Criteria: LMM Criteria. Collection method: clinical testing. Allele origin: germline. Observed: 1 variant allele.
Comment: 11326-4A>G in intron 82 of RYR2: This variant is not expected to have clinical s ignificance because it is not located within the splice consensus sequence. 11326-4A>G in intron 82 of RYR2 (allele frequency = n/a)